The following is an entry in ClinVar:

ClinVar aggregate classification (germline): Likely pathogenic (1 of 4 stars; one submission).

Conditions:
Autosomal recessive limb-girdle muscular dystrophy type 2J (LGMDR10). Also called: Limb-girdle muscular dystrophy, type 2J; MUSCULAR DYSTROPHY, LIMB-GIRDLE, AUTOSOMAL RECESSIVE 10. Identifiers: Orphanet 140922, MedGen C1837342, MONDO:0012127, OMIM 608807.
Dilated cardiomyopathy 1G (CMD1G). Identifiers: Orphanet 154, MedGen C1858763, MONDO:0011400, OMIM 604145.

Submission:

Labcorp Genetics (formerly Invitae), Labcorp
Classification: Likely pathogenic for Dilated cardiomyopathy 1G; Autosomal recessive limb-girdle muscular dystrophy type 2J. Last evaluated: 2023-11-21. Review status: criteria provided, single submitter. Criteria: Invitae Variant Classification Sherloc (09022015). Collection method: clinical testing. Allele origin: germline.
Comment: This sequence change creates a premature translational stop signal (p.Tyr4770*) in the TTN gene. While this is not anticipated to result in nonsense mediated decay, it is expected to create a truncated TTN protein. This variant is not present in population databases (gnomAD no frequency). This variant has not been reported in the literature in individuals affected with TTN-related conditions. This variant is located in the I band of TTN (PMID: 25589632). Truncating variants in this region have been reported in individuals affected with autosomal recessive centronuclear myopathy (PMID: 23975875). Truncating variants in this region have also been identified in individuals affected with autosomal dominant dilated cardiomyopathy and/or cardio-related conditions (PMID: 27869827, 32964742). In summary, the currently available evidence indicates that the variant is pathogenic, but additional data are needed to prove that conclusively. Therefore, this variant has been classified as Likely Pathogenic.

Literature cited by the submitters: PubMed 25589632; PubMed 23975875; PubMed 27869827; PubMed 32964742.

NM_001267550.2(TTN):c.14310T>A (p.Tyr4770Ter)

Gene: TTN (titin; minus strand). Cytogenetic location: 2q31.2.
Variant type: single nucleotide variant.
Coding change: c.14310T>A on transcript NM_001267550.2 (MANE Select); coding-DNA position 14310, T replaced by A.
Protein change: p.Tyr4770Ter; replaces tyrosine 4770 with a stop codon.
Molecular consequence: nonsense.
Genome position (GRCh38, 1-based): chr2:178,738,143, A>T on the plus strand (T>A on the coding strand, the complement: TTN is on the minus strand). VCF-style: chr2-178738143-A-T. GRCh37 (hg19) VCF-style: chr2-179602870-A-T.
Other names: c.13359T>A, p.Tyr4453Ter (NM_001256850.1); c.13221T>A, p.Tyr4407Ter (NM_003319.4); c.10578T>A, p.Tyr3526Ter (NM_133378.4); c.13596T>A, p.Tyr4532Ter (NM_133432.3); c.13797T>A, p.Tyr4599Ter (NM_133437.4); short protein forms Y4532*, Y3526*, Y4453*, Y4770*, Y4407*, Y4599*.
Identifiers: ClinVar variation 2954091 (VCV002954091.3), dbSNP rs1332062788, ClinGen allele CA349602050.